The following is an entry in ClinVar:

ClinVar aggregate classification (germline): Uncertain significance. Review status: criteria provided, multiple submitters, no conflicts (2 of 4 stars). 2 submissions from 2 submitters: Uncertain significance (2). Last evaluated 2025-03-27.

Conditions:
Inborn genetic diseases. Identifiers: MedGen C0950123, MeSH D030342.
Mosaic variegated aneuploidy syndrome 2 (MVA2). Identifiers: Orphanet 1052, MedGen C3279843, MONDO:0013582, OMIM 614114.

gnomAD v4.1: 7 of 1,613,082 alleles (0.00043%); highest among the groups gnomAD compares: Non-Finnish European, 0.00059%; no homozygotes.

Submissions (2):

Ambry Genetics
Classification: Uncertain significance for Inborn genetic diseases. Last evaluated: 2025-03-27. Review status: criteria provided, single submitter. Criteria: Ambry Variant Classification Scheme 2023. Collection method: clinical testing. Allele origin: germline.
Comment: The p.S163P variant (also known as c.487T>C), located in coding exon 4 of the CEP57 gene, results from a T to C substitution at nucleotide position 487. The serine at codon 163 is replaced by proline, an amino acid with similar properties. This amino acid position is conserved. In addition, the in silico prediction for this alteration is inconclusive. Based on the available evidence, the clinical significance of this variant remains unclear.

Labcorp Genetics (formerly Invitae), Labcorp
Classification: Uncertain significance for Mosaic variegated aneuploidy syndrome 2. Last evaluated: 2023-07-06. Review status: criteria provided, single submitter. Criteria: Invitae Variant Classification Sherloc (09022015). Collection method: clinical testing. Allele origin: germline.
Comment: This variant is not present in population databases (gnomAD no frequency). This sequence change replaces serine, which is neutral and polar, with proline, which is neutral and non-polar, at codon 163 of the CEP57 protein (p.Ser163Pro). In summary, the available evidence is currently insufficient to determine the role of this variant in disease. Therefore, it has been classified as a Variant of Uncertain Significance. Advanced modeling of protein sequence and biophysical properties (such as structural, functional, and spatial information, amino acid conservation, physicochemical variation, residue mobility, and thermodynamic stability) performed at Invitae indicates that this missense variant is not expected to disrupt CEP57 protein function. This variant has not been reported in the literature in individuals affected with CEP57-related conditions.

NM_014679.5(CEP57):c.487T>C (p.Ser163Pro)

Gene: CEP57 (centrosomal protein 57; plus strand). Cytogenetic location: 11q21.
Variant type: single nucleotide variant.
Coding change: c.487T>C on transcript NM_014679.5 (MANE Select); coding-DNA position 487, T replaced by C.
Protein change: p.Ser163Pro; replaces serine 163 with proline.
Molecular consequence: missense variant.
Genome position (GRCh38, 1-based): chr11:95,813,572, T>C. VCF-style: chr11-95813572-T-C. GRCh37 (hg19) VCF-style: chr11-95546736-T-C.
Other names: c.460T>C, p.Ser154Pro (NM_001243776.2); c.487T>C, p.Ser163Pro (NM_001243777.2); c.406T>C, p.Ser136Pro (NM_001363604.2); c.487T>C (NM_014679.4); short protein forms S163P, S154P, S136P.
Identifiers: ClinVar variation 2764742 (VCV002764742.4), dbSNP rs2496227190, ClinGen allele CA382422295.